The following is an entry in ClinVar:

NM_000543.5(SMPD1):c.203G>A (p.Gly68Asp)

Gene: SMPD1 (sphingomyelin phosphodiesterase 1; plus strand). Cytogenetic location: 11p15.4.
Variant type: single nucleotide variant.
Coding change: c.203G>A on transcript NM_000543.5 (MANE Select); coding-DNA position 203, G replaced by A.
Protein change: p.Gly68Asp; replaces glycine 68 with aspartic acid.
Molecular consequence: missense variant. On other transcripts: 5 prime UTR variant (1), non-coding transcript variant (2).
Genome position (GRCh38, 1-based): chr11:6,390,801, G>A. VCF-style: chr11-6390801-G-A. GRCh37 (hg19) VCF-style: chr11-6412031-G-A.
Other names: c.203G>A, p.Gly68Asp (NM_001007593.3, NM_001318087.2, NM_001365135.2); c.-759G>A (NM_001318088.2); short protein forms G68D.
Identifiers: ClinVar variation 3446416 (VCV003446416.1).

ClinVar aggregate classification (germline): Uncertain significance (1 of 4 stars; one submission).

Conditions:
Inborn genetic diseases. Identifiers: MedGen C0950123, MeSH D030342.

gnomAD v4.1: 4 of 1,614,128 alleles (0.00025%); highest among the groups gnomAD compares: Non-Finnish European, 0.00034%; no homozygotes.

Submission:

Ambry Genetics
Classification: Uncertain significance for Inborn genetic diseases. Last evaluated: 2024-07-30. Review status: criteria provided, single submitter. Criteria: Ambry Variant Classification Scheme 2023. Collection method: clinical testing. Allele origin: germline.
Comment: The p.G68D variant (also known as c.203G>A), located in coding exon 1 of the SMPD1 gene, results from a G to A substitution at nucleotide position 203. The glycine at codon 68 is replaced by aspartic acid, an amino acid with similar properties. This amino acid position is conserved. In addition, this alteration is predicted to be tolerated by in silico analysis. Based on the available evidence, the clinical significance of this variant remains unclear.